The following is an entry in ClinVar:

NM_000937.5(POLR2A):c.3281C>T (p.Ser1094Phe)

Gene: POLR2A (RNA polymerase II subunit A; plus strand). Cytogenetic location: 17p13.1.
Variant type: single nucleotide variant.
Coding change: c.3281C>T on transcript NM_000937.5 (MANE Select); coding-DNA position 3281, C replaced by T.
Protein change: p.Ser1094Phe; replaces serine 1094 with phenylalanine.
Molecular consequence: missense variant.
Genome position (GRCh38, 1-based): chr17:7,508,291, C>T. VCF-style: chr17-7508291-C-T. GRCh37 (hg19) VCF-style: chr17-7411610-C-T.
Other names: short protein forms S1094F.
Identifiers: ClinVar variation 873136 (VCV000873136.6), dbSNP rs775858617, ClinGen allele CA397806330.

ClinVar aggregate classification (germline): Pathogenic/Likely pathogenic. Review status: criteria provided, multiple submitters, no conflicts (2 of 4 stars). 3 submissions from 3 submitters: Pathogenic (1); Likely pathogenic (1). 1 of the submissions does not count toward it. Last evaluated 2025-02-10.

Conditions:
Neurodevelopmental disorder with hypotonia and variable intellectual and behavioral abnormalities. Identifiers: MedGen C5231423, MONDO:0032829, OMIM 618603.
Neurodevelopmental disorder. Identifiers: MedGen C1535926, MeSH D065886, MONDO:0700092.

Submissions (3):

GeneDx
Classification: Pathogenic. Last evaluated: 2025-02-10. Review status: criteria provided, single submitter. Criteria: GeneDx Variant Classification Process June 2021. Collection method: clinical testing. Allele origin: germline. Affected: yes.
Comment: Not observed at significant frequency in large population cohorts (gnomAD); In silico analysis supports that this missense variant has a deleterious effect on protein structure/function; This variant is associated with the following publications: (PMID: 37471090, 33665635)

Laboratory for Molecular Medicine, Mass General Brigham Personalized Medicine
Classification: Likely pathogenic for Neurodevelopmental disorder. Last evaluated: 2019-08-30. Review status: criteria provided, single submitter. Criteria: LMM Criteria. Collection method: clinical testing. Allele origin: germline. Inheritance: Autosomal dominant inheritance. Observed: 1 variant allele.
Comment: The p.Ser1094Phe variant in POLR2A has not been previously reported in individuals with a neurodevelopmental phenotype or in large population studies. However, this variant was confirmed to be de novo in an individual with global developmental delays and generalized hypotonia by the Broad Institute Rare Genomes Project. Computational prediction tools and conservation analysis support that the variant impacts protein function, though this information is not predictive enough to determine pathogenicity. The number of missense variants reported in POLR2A in the general population is lower than expected, suggesting that a missense variant in this gene may not be tolerated. In summary, this variant meets criteria to be classified as likely pathogenic for neurodevelopmental disorder with autosomal dominant inheritance based upon de novo occurrence, absence from the general population, and computational predictions. ACMG/AMP Criteria applied: PS2_Moderate, PM2, PP3, PP2.

Human Genome Sequencing Center Clinical Lab, Baylor College of Medicine
Classification: Likely pathogenic for Neurodevelopmental disorder with hypotonia and variable intellectual and behavioral abnormalities. Last evaluated: 2020-05-08. Review status: no assertion criteria provided. Collection method: research. Allele origin: de novo. Affected: yes. Observed: 1 variant allele. Not counted in ClinVar's aggregate classification.